The following is an entry in ClinVar:

NM_004370.6(COL12A1):c.334+4A>G

Gene: COL12A1 (collagen type XII alpha 1 chain; minus strand). Cytogenetic location: 6q13.
Variant type: single nucleotide variant.
Coding change: c.334+4A>G on transcript NM_004370.6 (MANE Select); 4 bases into the intron after coding-DNA position 334, A replaced by G.
Molecular consequence: intron variant.
Genome position (GRCh38, 1-based): chr6:75,192,208, T>C on the plus strand (A>G on the coding strand, the complement: COL12A1 is on the minus strand). VCF-style: chr6-75192208-T-C. GRCh37 (hg19) VCF-style: chr6-75901924-T-C.
Other names: c.73+10512A>G (NM_001424116.1, NM_080645.3); c.334+4A>G (NM_001424115.1, NM_001424114.1, NM_001424113.1).
Identifiers: ClinVar variation 4792734 (VCV004792734.1).

ClinVar aggregate classification (germline): Uncertain significance (1 of 4 stars; one submission).

Conditions:
Ullrich congenital muscular dystrophy 2 (UCMD2). Identifiers: Orphanet 75840, MedGen C4225314, MONDO:0014654, OMIM 616470.
Bethlem myopathy 2 (BTHLM2). Identifiers: Orphanet 536516, Orphanet 610, MedGen C4225313, MONDO:0034022, OMIM 616471.

Submission:

Labcorp Genetics (formerly Invitae), Labcorp
Classification: Uncertain significance for Bethlem myopathy 2; Ullrich congenital muscular dystrophy 2. Last evaluated: 2025-12-17. Review status: criteria provided, single submitter. Criteria: Invitae Variant Classification Sherloc (09022015). Collection method: clinical testing. Allele origin: germline.
Comment: This sequence change falls in intron 4 of the COL12A1 gene. It does not directly change the encoded amino acid sequence of the COL12A1 protein. It affects a nucleotide within the consensus splice site. This variant is not present in population databases (gnomAD no frequency). This variant has not been reported in the literature in individuals affected with COL12A1-related conditions. Variants that disrupt the consensus splice site are a relatively common cause of aberrant splicing (PMID: 17576681, 9536098). Algorithms developed to predict the effect of sequence changes on RNA splicing suggest that this variant is not likely to affect RNA splicing. In summary, the available evidence is currently insufficient to determine the role of this variant in disease. Therefore, it has been classified as a Variant of Uncertain Significance.

Literature cited by the submitters: PubMed 17576681; PubMed 9536098.